The following is an entry in ClinVar:

ClinVar aggregate classification (germline): Uncertain significance (1 of 4 stars; one submission).

Conditions:
Nephronophthisis. Also called: Juvenile Nephronophthisis. Identifiers: Orphanet 655, MedGen C0687120, MONDO:0019005, HP:0000090.

Allele frequency attached by ClinVar (database versions not stated): gnomAD exomes below 0.00001.
gnomAD v4.1: 1 of 1,613,778 alleles (0.000062%); highest among the groups gnomAD compares: East Asian, 0.0022%; no homozygotes.

Submission:

Labcorp Genetics (formerly Invitae), Labcorp
Classification: Uncertain significance for Nephronophthisis. Last evaluated: 2025-11-05. Review status: criteria provided, single submitter. Criteria: Invitae Variant Classification Sherloc (09022015). Collection method: clinical testing. Allele origin: germline.
Comment: This sequence change replaces leucine, which is neutral and non-polar, with phenylalanine, which is neutral and non-polar, at codon 475 of the INVS protein (p.Leu475Phe). This variant is present in population databases (no rsID available, gnomAD 0.006%). This variant has not been reported in the literature in individuals affected with INVS-related conditions. ClinVar contains an entry for this variant (Variation ID: 2108195). An algorithm developed to predict the effect of missense changes on protein structure and function (PolyPhen-2) suggests that this variant is likely to be disruptive. In summary, the available evidence is currently insufficient to determine the role of this variant in disease. Therefore, it has been classified as a Variant of Uncertain Significance.

NM_014425.5(INVS):c.1423C>T (p.Leu475Phe)

Gene: INVS (inversin; plus strand). Cytogenetic location: 9q31.1.
Variant type: single nucleotide variant.
Coding change: c.1423C>T on transcript NM_014425.5 (MANE Select); coding-DNA position 1423, C replaced by T.
Protein change: p.Leu475Phe; replaces leucine 475 with phenylalanine.
Molecular consequence: missense variant. On other transcripts: non-coding transcript variant (1).
Genome position (GRCh38, 1-based): chr9:100,253,095, C>T. VCF-style: chr9-100253095-C-T. GRCh37 (hg19) VCF-style: chr9-103015377-C-T.
Other names: c.1135C>T, p.Leu379Phe (NM_001318381.2); c.445C>T, p.Leu149Phe (NM_001318382.2); short protein forms L379F, L149F, L475F.
Identifiers: ClinVar variation 2108195 (VCV002108195.4), dbSNP rs879227049, ClinGen allele CA197187605.